The following is an entry in ClinVar:

ClinVar aggregate classification (germline): Conflicting classifications of pathogenicity. Review status: criteria provided, conflicting classifications (1 of 4 stars). 2 submissions from 2 submitters: Uncertain significance (1); Likely benign (1). Last evaluated 2025-12-16.

Allele frequency attached by ClinVar (database versions not stated): gnomAD 0.00002.
gnomAD v4.1: 72 of 1,550,746 alleles (0.0046%); highest among the groups gnomAD compares: Admixed American, 0.0078%; no homozygotes.

Submissions (2):

Ambry Genetics
Classification: Likely benign. Last evaluated: 2025-12-16. Review status: criteria provided, single submitter. Criteria: Ambry Variant Classification Scheme 2023. Collection method: clinical testing. Allele origin: germline.

Labcorp Genetics (formerly Invitae), Labcorp
Classification: Uncertain significance. Last evaluated: 2021-11-30. Review status: criteria provided, single submitter. Criteria: Invitae Variant Classification Sherloc (09022015). Collection method: clinical testing. Allele origin: germline.
Comment: This sequence change replaces asparagine, which is neutral and polar, with serine, which is neutral and polar, at codon 231 of the LIPT2 protein (p.Asn231Ser). This variant is present in population databases (no rsID available, gnomAD 0.008%). This variant has not been reported in the literature in individuals affected with LIPT2-related conditions. Algorithms developed to predict the effect of missense changes on protein structure and function output the following: SIFT: "Not Available"; PolyPhen-2: "Benign"; Align-GVGD: "Not Available". The serine amino acid residue is found in multiple mammalian species, which suggests that this missense change does not adversely affect protein function. In summary, the available evidence is currently insufficient to determine the role of this variant in disease. Therefore, it has been classified as a Variant of Uncertain Significance.

NM_001144869.3(LIPT2):c.692A>G (p.Asn231Ser)

Gene: LIPT2 (lipoyl(octanoyl) transferase 2; minus strand). Cytogenetic location: 11q13.4.
Variant type: single nucleotide variant.
Coding change: c.692A>G on transcript NM_001144869.3 (MANE Select); coding-DNA position 692, A replaced by G.
Protein change: p.Asn231Ser; replaces asparagine 231 with serine.
Molecular consequence: missense variant. On other transcripts: 3 prime UTR variant (2).
Genome position (GRCh38, 1-based): chr11:74,492,139, T>C on the plus strand (A>G on the coding strand, the complement: LIPT2 is on the minus strand). VCF-style: chr11-74492139-T-C. GRCh37 (hg19) VCF-style: chr11-74203184-T-C.
Other names: c.692A>G (NM_001144869.1); c.*106A>G (NM_001329941.2, NM_001329942.2); short protein forms N231S.
Identifiers: ClinVar variation 1359215 (VCV001359215.4), dbSNP rs760634490, ClinGen allele CA224979138.